The following is an entry in ClinVar:

NM_005159.5(ACTC1):c.496C>T (p.Pro166Ser)

Genes: GJD2-DT (GJD2 divergent transcript; plus strand), ACTC1 (actin alpha cardiac muscle 1; minus strand). Cytogenetic location: 15q14.
Variant type: single nucleotide variant.
Coding change: c.496C>T on transcript NM_005159.5 (MANE Select); coding-DNA position 496, C replaced by T.
Protein change: p.Pro166Ser; replaces proline 166 with serine.
Molecular consequence: missense variant.
Genome position (GRCh38, 1-based): chr15:34,792,528, G>A on the plus strand (C>T on the coding strand, the complement: ACTC1 is on the minus strand). VCF-style: chr15-34792528-G-A. GRCh37 (hg19) VCF-style: chr15-35084729-G-A.
Other names: c.496C>T (LRG_388t1); short protein forms P166S.
Identifiers: ClinVar variation 410266 (VCV000410266.10), dbSNP rs267606628, ClinGen allele CA16614448.

ClinVar aggregate classification (germline): Uncertain significance. Review status: criteria provided, multiple submitters, no conflicts (2 of 4 stars). 2 submissions from 2 submitters: Uncertain significance (2). Last evaluated 2025-09-05.

Conditions:
Atrial septal defect 5 (ASD5). Identifiers: Orphanet 1478, MedGen C2748552, MONDO:0013011, OMIM 612794.
Dilated cardiomyopathy 1R (CMD1R). Identifiers: Orphanet 154, Orphanet 54260, MedGen C3150681, MONDO:0013261, OMIM 613424.
Hypertrophic cardiomyopathy 11. Also called: ACTC1-Related Familial Hypertrophic Cardiomyopathy. Identifiers: MedGen C2677506, MONDO:0012799, OMIM 612098.

Submissions (2):

Labcorp Genetics (formerly Invitae), Labcorp
Classification: Uncertain significance for Dilated cardiomyopathy 1R; Hypertrophic cardiomyopathy 11; Atrial septal defect 5. Last evaluated: 2025-09-05. Review status: criteria provided, single submitter. Criteria: Invitae Variant Classification Sherloc (09022015). Collection method: clinical testing. Allele origin: germline.
Comment: This sequence change replaces proline, which is neutral and non-polar, with serine, which is neutral and polar, at codon 166 of the ACTC1 protein (p.Pro166Ser). This variant is not present in population databases (gnomAD no frequency). This variant has not been reported in the literature in individuals affected with ACTC1-related conditions. ClinVar contains an entry for this variant (Variation ID: 410266). Invitae Evidence Modeling of protein sequence and biophysical properties (such as structural, functional, and spatial information, amino acid conservation, physicochemical variation, residue mobility, and thermodynamic stability) indicates that this missense variant is not expected to disrupt ACTC1 protein function with a negative predictive value of 80%. This variant disrupts the p.Pro166 amino acid residue in ACTC1. Other variant(s) that disrupt this residue have been determined to be pathogenic (PMID: 10966831). This suggests that this residue is clinically significant, and that variants that disrupt this residue are likely to be disease-causing. In summary, the available evidence is currently insufficient to determine the role of this variant in disease. Therefore, it has been classified as a Variant of Uncertain Significance.

GeneDx
Classification: Uncertain significance. Last evaluated: 2020-06-18. Review status: criteria provided, single submitter. Criteria: GeneDx Variant Classification Process June 2021. Collection method: clinical testing. Allele origin: germline. Affected: yes.
Comment: Not observed in large population cohorts (Lek et al., 2016); In silico analysis supports that this missense variant has a deleterious effect on protein structure/function; Has not been previously published as pathogenic or benign to our knowledge; Reported in ClinVar as a variant of uncertain significance (ClinVar Variant ID# 410266; Landrum et al., 2016)

Literature cited by the submitters: PubMed 10966831 (cited by Labcorp Genetics (formerly Invitae), Labcorp).